The following is an entry in ClinVar:

ClinVar aggregate classification (germline): Uncertain significance (1 of 4 stars; one submission).

Conditions:
Marfan syndrome (MFS). Also called: MARFAN SYNDROME, TYPE I; Marfan syndrome type 1; Marfan's syndrome; FBN1-Related Marfan Syndrome; Marfan syndrome, classic. Identifiers: Orphanet 284963, Orphanet 558, MedGen C0024796, MONDO:0007947, OMIM 154700.

Submission:

All of Us Research Program, National Institutes of Health
Classification: Uncertain significance for Marfan syndrome. Last evaluated: 2024-04-16. Review status: criteria provided, single submitter. Criteria: ACMG Guidelines, 2015. Collection method: clinical testing. Allele origin: germline. Inheritance: Autosomal dominant inheritance. Observed: 1 variant allele, 1 heterozygote.
Comment: This missense variant replaces valine with isoleucine at codon 820 of the FBN1 protein. Computational prediction suggests that this variant may not impact protein structure and function (internally defined REVEL score threshold <= 0.5, PMID: 27666373). To our knowledge, functional studies have not been reported for this variant. This variant has not been reported in individuals affected with FBN1-related disorders in the literature. This variant has not been identified in the general population by the Genome Aggregation Database (gnomAD). The available evidence is insufficient to determine the role of this variant in disease conclusively. Therefore, this variant is classified as a Variant of Uncertain Significance.

This study involves interpretation of variants in research participants for the purpose of population health screening. Participant phenotype was not available at the time of variant classification. Additional details can be found in publication PMID: 35346344, PMCID: PMC8962531

NM_000138.5(FBN1):c.2458G>A (p.Val820Ile)

Gene: FBN1 (fibrillin 1; minus strand). Cytogenetic location: 15q21.1.
Variant type: single nucleotide variant.
Coding change: c.2458G>A on transcript NM_000138.5 (MANE Select); coding-DNA position 2458, G replaced by A.
Protein change: p.Val820Ile; replaces valine 820 with isoleucine.
Molecular consequence: missense variant.
Genome position (GRCh38, 1-based): chr15:48,495,550, C>T on the plus strand (G>A on the coding strand, the complement: FBN1 is on the minus strand). VCF-style: chr15-48495550-C-T. GRCh37 (hg19) VCF-style: chr15-48787747-C-T.
Other names: c.2458G>A, p.Val820Ile (NM_001406716.1); short protein forms V820I.
Identifiers: ClinVar variation 3386839 (VCV003386839.1).